The following is an entry in ClinVar:

NM_013275.6(ANKRD11):c.5188G>A (p.Asp1730Asn)

Gene: ANKRD11 (ankyrin repeat domain containing 11; minus strand). Cytogenetic location: 16q24.3.
Variant type: single nucleotide variant.
Coding change: c.5188G>A on transcript NM_013275.6 (MANE Select); coding-DNA position 5188, G replaced by A.
Protein change: p.Asp1730Asn; replaces aspartic acid 1730 with asparagine.
Molecular consequence: missense variant.
Genome position (GRCh38, 1-based): chr16:89,281,354, C>T on the plus strand (G>A on the coding strand, the complement: ANKRD11 is on the minus strand). VCF-style: chr16-89281354-C-T. GRCh37 (hg19) VCF-style: chr16-89347762-C-T.
Other names: c.5188G>A, p.Asp1730Asn (NM_001256182.2, NM_001256183.2); short protein forms D1730N.
Identifiers: ClinVar variation 1745891 (VCV001745891.2), dbSNP rs748736120, ClinGen allele CA8241917.
Genomic context (GRCh38, chr16:89,281,354, plus strand): 5'-TGGGCACGGGCGTGGAGTGCTGCGAGTCGGCGCAGTCGAACACGAGGTCCGCGTAGTCAT[C>T]GGCGCTGCAGGACGGGGTCCTGGGCGTGTGCATCACCTCCTCGTAGCTGGGGCAGGATAG-3'
Protein context (NP_037407.4, residues 1720-1740): HTPRTPSCSA[Asp1730Asn]DYADLVFDCA

ClinVar aggregate classification (germline): Uncertain significance (1 of 4 stars; one submission).

Conditions:
Inborn genetic diseases. Identifiers: MedGen C0950123, MeSH D030342.

Allele frequency attached by ClinVar (database versions not stated): gnomAD exomes below 0.00001; TOPMed below 0.00001; ExAC 0.00001; gnomAD 0.00001.
gnomAD v4.1: 4 of 1,611,352 alleles (0.00025%); highest among the groups gnomAD compares: African/African-American, 0.0013%; no homozygotes.

Submission:

Ambry Genetics
Classification: Uncertain significance for Inborn genetic diseases. Last evaluated: 2019-11-20. Review status: criteria provided, single submitter. Criteria: Ambry Variant Classification Scheme 2023. Collection method: clinical testing. Allele origin: germline.
Comment: The p.D1730N variant (also known as c.5188G>A), located in coding exon 7 of the ANKRD11 gene, results from a G to A substitution at nucleotide position 5188. The aspartic acid at codon 1730 is replaced by asparagine, an amino acid with highly similar properties. This amino acid position is well conserved in available vertebrate species. In addition, this alteration is predicted to be tolerated by in silico analysis. Since supporting evidence is limited at this time, the clinical significance of this alteration remains unclear.